The following is an entry in ClinVar:

ClinVar aggregate classification (germline): Uncertain significance (0 of 4 stars; one submission).

Conditions:
LEPR-related disorder. Also called: LEPR-related condition; LEPR-related disorders.

Submission:

PreventionGenetics, part of Exact Sciences
Classification: Uncertain significance for LEPR-related condition. Last evaluated: 2024-06-08. Review status: no assertion criteria provided. Collection method: clinical testing. Allele origin: germline.
Comment: The LEPR c.2674A>G variant is predicted to result in the amino acid substitution p.Lys892Glu. However, this change is a deep intronic variant for the transcript with clinical significance (NM_002303.6).To our knowledge, this variant has not been reported in the literature or in a large population database, indicating this variant is rare. At this time, the clinical significance of this variant is uncertain due to the absence of conclusive functional and genetic evidence.

NM_002303.6(LEPR):c.2673+3142A>G

Gene: LEPR (leptin receptor; plus strand). Cytogenetic location: 1p31.3.
Variant type: single nucleotide variant.
Coding change: c.2673+3142A>G on transcript NM_002303.6 (MANE Select); 3142 bases into the intron after coding-DNA position 2673, A replaced by G.
Molecular consequence: intron variant. On other transcripts: missense variant (1).
Genome position (GRCh38, 1-based): chr1:65,626,123, A>G. VCF-style: chr1-65626123-A-G. GRCh37 (hg19) VCF-style: chr1-66091806-A-G.
Other names: c.2674A>G, p.Lys892Glu (NM_001198688.1); c.2673+3142A>G (NM_001003679.3, NM_001003680.3, NM_001198689.2 and 1 more transcripts); short protein forms K892E.
Identifiers: ClinVar variation 3346027 (VCV003346027.1).